The following is an entry in ClinVar:

NM_001374828.1(ARID1B):c.658A>G (p.Asn220Asp)

Genes: ARID1B (AT-rich interaction domain 1B; plus strand), LOC115308161 (uncharacterized LOC115308161; minus strand). Cytogenetic location: 6q25.3.
Variant type: single nucleotide variant.
Coding change: c.658A>G on transcript NM_001374828.1 (MANE Select); coding-DNA position 658, A replaced by G.
Protein change: p.Asn220Asp; replaces asparagine 220 with aspartic acid.
Molecular consequence: missense variant. On other transcripts: non-coding transcript variant (1).
Genome position (GRCh38, 1-based): chr6:156,778,338, A>G. VCF-style: chr6-156778338-A-G. GRCh37 (hg19) VCF-style: chr6-157099472-A-G.
Other names: c.409A>G, p.Asn137Asp (NM_001346813.1, NM_020732.3); c.658A>G, p.Asn220Asp (NM_001371656.1, NM_001374820.1, NM_017519.3); c.235A>G, p.Asn79Asp (NM_175863.2); short protein forms N137D, N79D, N220D.
Identifiers: ClinVar variation 2836415 (VCV002836415.3), dbSNP rs2546824116, ClinGen allele CA366381827.

ClinVar aggregate classification (germline): Uncertain significance (1 of 4 stars; one submission).

Submission:

Labcorp Genetics (formerly Invitae), Labcorp
Classification: Uncertain significance. Last evaluated: 2023-02-11. Review status: criteria provided, single submitter. Criteria: Invitae Variant Classification Sherloc (09022015). Collection method: clinical testing. Allele origin: germline.
Comment: This sequence change replaces asparagine, which is neutral and polar, with aspartic acid, which is acidic and polar, at codon 137 of the ARID1B protein (p.Asn137Asp). This variant is not present in population databases (gnomAD no frequency). This variant has not been reported in the literature in individuals affected with ARID1B-related conditions. Algorithms developed to predict the effect of missense changes on protein structure and function are either unavailable or do not agree on the potential impact of this missense change (SIFT: "Deleterious"; PolyPhen-2: "Not Available"; Align-GVGD: "Class C0"). In summary, the available evidence is currently insufficient to determine the role of this variant in disease. Therefore, it has been classified as a Variant of Uncertain Significance.